The following is an entry in ClinVar:

ClinVar aggregate classification (germline): Conflicting classifications of pathogenicity. Review status: criteria provided, conflicting classifications (1 of 4 stars). 2 submissions from 2 submitters: Uncertain significance (1); Likely benign (1). Last evaluated 2024-09-24.

Conditions:
Inborn genetic diseases. Identifiers: MedGen C0950123, MeSH D030342.

Allele frequency attached by ClinVar (database versions not stated): gnomAD exomes below 0.00001; TOPMed 0.00001.
gnomAD v4.1: 7 of 1,601,614 alleles (0.00044%); highest among the groups gnomAD compares: Non-Finnish European, 0.00043%; no homozygotes.

Submissions (2):

Ambry Genetics
Classification: Likely benign for Inborn genetic diseases. Last evaluated: 2024-09-24. Review status: criteria provided, single submitter. Criteria: Ambry Variant Classification Scheme 2023. Collection method: clinical testing. Allele origin: germline.

Mayo Clinic Laboratories, Mayo Clinic
Classification: Uncertain significance. Last evaluated: 2022-03-17. Review status: criteria provided, single submitter. Criteria: ACMG Guidelines, 2015. Collection method: clinical testing. Allele origin: germline. Observed: 1 variant allele.
Comment: PM2

NM_001330260.2(SCN8A):c.396A>G (p.Ser132=)

Gene: SCN8A (sodium voltage-gated channel alpha subunit 8; plus strand). Cytogenetic location: 12q13.13.
Variant type: single nucleotide variant.
Coding change: c.396A>G on transcript NM_001330260.2 (MANE Select); coding-DNA position 396, A replaced by G.
Protein change: p.Ser132=; no amino-acid change (serine 132 retained).
Molecular consequence: synonymous variant.
Genome position (GRCh38, 1-based): chr12:51,686,368, A>G. VCF-style: chr12-51686368-A-G. GRCh37 (hg19) VCF-style: chr12-52080152-A-G.
Other names: p.Ser132=; c.396A>G, p.Ser132= (NM_001177984.3, NM_001369788.1, NM_014191.4); c.396A>G (NM_014191.2).
Identifiers: ClinVar variation 2683200 (VCV002683200.2), dbSNP rs1269635449, ClinGen allele CA480021880.